The following is an entry in ClinVar:

ClinVar aggregate classification (germline): Benign/Likely benign. Review status: criteria provided, multiple submitters, no conflicts (2 of 4 stars). 4 submissions from 4 submitters: Benign (2); Likely benign (2). Last evaluated 2026-06-01.

Allele frequency attached by ClinVar (database versions not stated): gnomAD exomes 0.01117 and 0.00659; 1000 Genomes Project 30x 0.00141; ESP Exome Variant Server 0.00568; TOPMed 0.00676; gnomAD 0.00696 and 0.00717; ExAC 0.00805.
gnomAD v4.1: 16,175 of 1,533,408 alleles (1.1%); highest among the groups gnomAD compares: Non-Finnish European, 1.3%; 120 homozygotes.

Submissions (4):

CeGaT Center for Human Genetics Tuebingen
Classification: Benign. Last evaluated: 2026-06-01. Review status: criteria provided, single submitter. Criteria: CeGaT Center For Human Genetics Tuebingen Variant Classification Criteria Version 2. Collection method: clinical testing. Allele origin: germline. Affected: yes. Observed: 16 variant alleles.
Comment: COL18A1: BS1, BS2

Labcorp Genetics (formerly Invitae), Labcorp
Classification: Benign. Last evaluated: 2026-02-02. Review status: criteria provided, single submitter. Criteria: Invitae Variant Classification Sherloc (09022015). Collection method: clinical testing. Allele origin: germline.

Blueprint Genetics
Classification: Likely benign. Last evaluated: 2024-11-28. Review status: criteria provided, single submitter. Criteria: ACMG Guidelines, 2015. Collection method: clinical testing. Allele origin: germline.

Center for Pediatric Genomic Medicine, Children's Mercy Hospital and Clinics
Classification: Likely benign. Last evaluated: 2016-12-01. Review status: criteria provided, single submitter. Criteria: ACMG Guidelines, 2015. Collection method: clinical testing. Allele origin: germline.
ClinVar note: Converted during submission from Likely Benign to Likely benign.

NM_001379500.1(COL18A1):c.3352G>A (p.Ala1118Thr)

Genes: COL18A1 (collagen type XVIII alpha 1 chain; plus strand), SLC19A1 (solute carrier family 19 member 1; minus strand). Cytogenetic location: 21q22.3.
Variant type: single nucleotide variant.
Coding change: c.3352G>A on transcript NM_001379500.1 (MANE Select); coding-DNA position 3352, G replaced by A.
Protein change: p.Ala1118Thr; replaces alanine 1118 with threonine.
Molecular consequence: missense variant.
Genome position (GRCh38, 1-based): chr21:45,509,458, G>A. VCF-style: chr21-45509458-G-A. GRCh37 (hg19) VCF-style: chr21-46929372-G-A.
Other names: c.3883G>A, p.Ala1295Thr (NM_030582.4); c.4588G>A, p.Ala1530Thr (NM_130444.3); short protein forms A1295T, A1530T, A1118T.
Identifiers: ClinVar variation 377047 (VCV000377047.37), dbSNP rs113268527, ClinGen allele CA10067866.